The following is an entry in ClinVar:

ClinVar aggregate classification (germline): Pathogenic (1 of 4 stars; one submission).

Submission:

Labcorp Genetics (formerly Invitae), Labcorp
Classification: Pathogenic. Last evaluated: 2021-05-18. Review status: criteria provided, single submitter. Criteria: Invitae Variant Classification Sherloc (09022015). Collection method: clinical testing. Allele origin: germline.
Comment: This variant is not present in population databases (ExAC no frequency). This sequence change creates a premature translational stop signal (p.Arg66Hisfs*35) in the CERKL gene. It is expected to result in an absent or disrupted protein product. Loss-of-function variants in CERKL are known to be pathogenic (PMID: 14681825, 24043777). This variant has not been reported in the literature in individuals with CERKL-related conditions. For these reasons, this variant has been classified as Pathogenic.

Literature cited by the submitters: PubMed 14681825; PubMed 24043777.

NM_201548.5(CERKL):c.197_200del (p.Arg66fs)

Genes: CERKL (CERK like autophagy regulator; minus strand), LOC129935214 (ATAC-STARR-seq lymphoblastoid silent region 12157; plus strand). Cytogenetic location: 2q31.3.
Variant type: Microsatellite.
Coding change: c.197_200del on transcript NM_201548.5 (MANE Select); coding-DNA positions 197 to 200, 4 bases deleted (GAGC; older notation c.197_200delGAGC).
Protein change: p.Arg66fs; shifts the reading frame from arginine 66.
Molecular consequence: frameshift variant. On other transcripts: non-coding transcript variant (2).
Genome position (GRCh38, 1-based): chr2:181,656,807-181,656,810, GCTC deleted on the plus strand (GAGC on the coding strand, the reverse complement: CERKL is on the minus strand); deleting any 4 consecutive bases within chr2:181,656,807-181,656,818 gives the same sequence; the c. name uses the placement nearest the transcript's 3' end. VCF-style (leftmost placement, unchanged base first): chr2-181656806-TGCTC-T. GRCh37 (hg19) VCF-style: chr2-182521533-TGCTC-T.
Other names: c.197_200del, p.Arg66fs (NM_001030311.3, NM_001030312.3, NM_001030313.3 and 1 more transcripts); short protein forms R66fs.
Identifiers: ClinVar variation 1457548 (VCV001457548.6), dbSNP rs1210539710, ClinGen allele CA2580616645.